The following is an entry in ClinVar:

ClinVar aggregate classification (germline): Likely benign (0 of 4 stars; one submission).

Conditions:
MEN1-related disorder. Also called: MEN1-related condition.

gnomAD v4.1: 14 of 519,896 alleles (0.0027%); highest among the groups gnomAD compares: Non-Finnish European, 0.004%; no homozygotes.

Submission:

PreventionGenetics, part of Exact Sciences
Classification: Likely benign for MEN1-related condition. Last evaluated: 2022-01-10. Review status: no assertion criteria provided. Collection method: clinical testing. Allele origin: germline.
Comment: This variant is classified as likely benign based on ACMG/AMP sequence variant interpretation guidelines (Richards et al. 2015 PMID: 25741868, with internal and published modifications).

NM_001370259.2(MEN1):c.-23-11T>G

Gene: MEN1 (menin 1; minus strand). Cytogenetic location: 11q13.1.
Variant type: single nucleotide variant.
Coding change: c.-23-11T>G on transcript NM_001370259.2 (MANE Select); 11 bases into the intron before 23 bases upstream of the start codon, T replaced by G.
Molecular consequence: intron variant.
Genome position (GRCh38, 1-based): chr11:64,810,143, A>C on the plus strand (T>G on the coding strand, the complement: MEN1 is on the minus strand). VCF-style: chr11-64810143-A-C. GRCh37 (hg19) VCF-style: chr11-64577615-A-C.
Other names: c.-23-11T>G (NM_130804.3, NM_130803.3, NM_001407148.1 and 20 more transcripts).
Identifiers: ClinVar variation 3043706 (VCV003043706.2), dbSNP rs2136198017, ClinGen allele CA2614213740.